The following is an entry in ClinVar:

ClinVar aggregate classification (germline): Uncertain significance. Review status: criteria provided, multiple submitters, no conflicts (2 of 4 stars). 3 submissions from 3 submitters: Uncertain significance (3). Last evaluated 2026-01-14.

Conditions:
Hereditary cancer-predisposing syndrome. Also called: Neoplastic Syndromes, Hereditary; Tumor predisposition; Hereditary neoplastic syndrome; Hereditary Cancer Syndrome. Identifiers: Orphanet 140162, MedGen C0027672, MeSH D009386, MONDO:0015356.
Hereditary diffuse gastric adenocarcinoma (HDGC). Also called: DIFFUSE GASTRIC AND LOBULAR BREAST CANCER SYNDROME. Identifiers: Orphanet 26106, MedGen C1708349, MONDO:0007648, OMIM 137215.

Allele frequency attached by ClinVar (database versions not stated): gnomAD exomes below 0.00001; ExAC 0.00001.

Submissions (3):

Labcorp Genetics (formerly Invitae), Labcorp
Classification: Uncertain significance for Hereditary diffuse gastric adenocarcinoma. Last evaluated: 2026-01-14. Review status: criteria provided, single submitter. Criteria: Invitae Variant Classification Sherloc (09022015). Collection method: clinical testing. Allele origin: germline.
Comment: This sequence change replaces proline, which is neutral and non-polar, with leucine, which is neutral and non-polar, at codon 489 of the CDH1 protein (p.Pro489Leu). This variant is present in population databases (rs766713582, gnomAD 0.0009%). This variant has not been reported in the literature in individuals affected with CDH1-related conditions. ClinVar contains an entry for this variant (Variation ID: 239880). An algorithm developed to predict the effect of missense changes on protein structure and function outputs the following: PolyPhen-2: "Benign". The leucine amino acid residue is found in multiple mammalian species, which suggests that this missense change does not adversely affect protein function. In summary, the available evidence is currently insufficient to determine the role of this variant in disease. Therefore, it has been classified as a Variant of Uncertain Significance.

Ambry Genetics
Classification: Uncertain significance for Hereditary cancer-predisposing syndrome. Last evaluated: 2025-11-17. Review status: criteria provided, single submitter. Criteria: Ambry Variant Classification Scheme 2023. Collection method: clinical testing. Allele origin: germline.
Comment: The p.P489L variant (also known as c.1466C>T), located in coding exon 10 of the CDH1 gene, results from a C to T substitution at nucleotide position 1466. The proline at codon 489 is replaced by leucine, an amino acid with similar properties. This alteration has been reported in multiple individuals diagnosed with gastric cancer (Marwitz T et al. Cancers (Basel), 2020 Dec;12:; Garcia-Pelaez J et al. Lancet Oncol, 2023 Jan;24:91-106). This amino acid position is not well conserved in available vertebrate species, and leucine is the reference amino acid in other vertebrate species. In addition, this alteration is predicted to be tolerated by in silico analysis. Based on the available evidence, the clinical significance of this alteration remains unclear.

European Reference Network on Genetic Tumour Risk Syndromes (ERN-GENTURIS), i3s - Instituto de Investigação e Inovação em Saúde, University of Porto
Classification: Uncertain significance for Hereditary diffuse gastric adenocarcinoma. Last evaluated: 2022-08-01. Review status: criteria provided, single submitter. Criteria: Lee et al. (Hum Mutat. 2018). Collection method: clinical testing. Allele origin: germline. Inheritance: Autosomal dominant inheritance. Affected: yes. Study: ERN GENTURIS.
Comment: PS4_Supporting; PM2 (PMID: 30311375)

Literature cited by the submitters: PubMed 33322525 (cited by Ambry Genetics); PubMed 36436516 (cited by Ambry Genetics and European Reference Network on Genetic Tumour Risk Syndromes (ERN-GENTURIS), i3s - Instituto de Investigação e Inovação em Saúde, University of Porto).

NM_004360.5(CDH1):c.1466C>T (p.Pro489Leu)

Gene: CDH1 (cadherin 1; plus strand). Cytogenetic location: 16q22.1.
Variant type: single nucleotide variant.
Coding change: c.1466C>T on transcript NM_004360.5 (MANE Select); coding-DNA position 1466, C replaced by T.
Protein change: p.Pro489Leu; replaces proline 489 with leucine.
Molecular consequence: missense variant. On other transcripts: 5 prime UTR variant (2).
Genome position (GRCh38, 1-based): chr16:68,815,660, C>T. VCF-style: chr16-68815660-C-T. GRCh37 (hg19) VCF-style: chr16-68849563-C-T.
Other names: c.1466C>T (LRG_301t1, NM_004360.4); c.1283C>T, p.Pro428Leu (NM_001317184.2); c.-83C>T (NM_001317185.2); c.-354C>T (NM_001317186.2); short protein forms P489L, P428L.
Identifiers: ClinVar variation 239880 (VCV000239880.13), dbSNP rs766713582, ClinGen allele CA8130080.